The following is an entry in ClinVar:

NM_177550.5(SLC13A5):c.369-17C>T

Gene: SLC13A5 (solute carrier family 13 member 5; minus strand). Cytogenetic location: 17p13.1.
Variant type: single nucleotide variant.
Coding change: c.369-17C>T on transcript NM_177550.5 (MANE Select); 17 bases into the intron before coding-DNA position 369, C replaced by T.
Molecular consequence: intron variant.
Genome position (GRCh38, 1-based): chr17:6,704,073, G>A on the plus strand (C>T on the coding strand, the complement: SLC13A5 is on the minus strand). VCF-style: chr17-6704073-G-A. GRCh37 (hg19) VCF-style: chr17-6607392-G-A.
Other names: c.240-17C>T (NM_001284510.2); c.369-68C>T (NM_001284509.2); c.369-17C>T (NM_001143838.3).
Identifiers: ClinVar variation 383441 (VCV000383441.10), dbSNP rs372696631, ClinGen allele CA8331729.

ClinVar aggregate classification (germline): Likely benign. Review status: criteria provided, multiple submitters, no conflicts (2 of 4 stars). 3 submissions from 3 submitters: Likely benign (3). Last evaluated 2026-01-01.

Conditions:
Developmental and epileptic encephalopathy, 25 (DEE25). Also called: Epileptic encephalopathy, early infantile, 25; Developmental and epileptic encephalopathy 25, with amelogenesis imperfecta; Epileptic encephalopathy, early infantile, 25, with amelogenesis imperfecta. Identifiers: Orphanet 442835, MedGen C4014621, MONDO:0014392, OMIM 615905.

Allele frequency attached by ClinVar (database versions not stated): ESP Exome Variant Server 0.00015; 1000 Genomes Project 30x 0.00016; gnomAD exomes 0.00017 and 0.00033; 1000 Genomes Project 0.00020; ExAC 0.00036; gnomAD 0.00040; TOPMed 0.00051.
gnomAD v4.1: 326 of 1,603,912 alleles (0.02%); highest among the groups gnomAD compares: Middle Eastern, 0.18%; 2 homozygotes.

Submissions (3):

Labcorp Genetics (formerly Invitae), Labcorp
Classification: Likely benign for Developmental and epileptic encephalopathy, 25. Last evaluated: 2026-01-01. Review status: criteria provided, single submitter. Criteria: Invitae Variant Classification Sherloc (09022015). Collection method: clinical testing. Allele origin: germline.

Blueprint Genetics
Classification: Likely benign. Last evaluated: 2024-11-06. Review status: criteria provided, single submitter. Criteria: ACMG Guidelines, 2015. Collection method: clinical testing. Allele origin: germline.

GeneDx
Classification: Likely benign. Last evaluated: 2018-02-06. Review status: criteria provided, single submitter. Criteria: GeneDx Variant Classification (06012015). Collection method: clinical testing. Allele origin: germline. Affected: yes.
Comment: This variant is considered likely benign or benign based on one or more of the following criteria: it is a conservative change, it occurs at a poorly conserved position in the protein, it is predicted to be benign by multiple in silico algorithms, and/or has population frequency not consistent with disease.